The following continues an entry in ClinVar:

NM_007294.4(BRCA1):c.641A>G (p.Asp214Gly)

Gene: BRCA1. ClinVar aggregate classification (germline): Benign. Benign (1).

Submissions 5 to 14 of 14:

Ambry Genetics
Classification: Uncertain significance for Hereditary cancer-predisposing syndrome. Last evaluated: 2024-04-10. Review status: criteria provided, single submitter. Criteria: Ambry Variant Classification Scheme 2023. Collection method: clinical testing. Allele origin: germline. Not counted in ClinVar's aggregate classification.
Comment: The p.D214G variant (also known as c.641A>G), located in coding exon 8 of the BRCA1 gene, results from an A to G substitution at nucleotide position 641. The aspartic acid at codon 214 is replaced by glycine, an amino acid with a few similar properties. This alteration has been detected in conjunction with the BRCA1 alteration c.594-2A>C (IVS9-2A>C) in cis and was predicted to cause a partial exon 10 deletion by an in silico tool; however, a splicing assay showed that a transcript with a partial exon 10 deletion was not detected (Tesoriero AA et al. Hum Mutat. 2005;26:495). In one study, large-scale genetic and clinical resources from the ENIGMA, CIMBA and BCAC consortia were used to assess the pathogenicity of the haplotype (c.594-2A>C linked to c.641A>G) carrying this variant. This resulted in the combined odds for causality of 3.23x10-8 for this haplotype, considering case-control, segregation, and breast tumor pathology information. Their data indicate that c.594-2A>C is always in cis with c.641A>G (de la Hoya M et al Hum Mol Genet. 2016; Mar). Of note, this alteration is also designated as and 760A>G in published literature. This amino acid position is poorly conserved in available vertebrate species. In addition, this alteration is predicted to be tolerated by in silico analyses. Based on the available evidence, the clinical significance of this variant remains unclear.

ARUP Laboratories, Molecular Genetics and Genomics, ARUP Laboratories
Classification: Uncertain significance. Last evaluated: 2023-05-11. Review status: criteria provided, single submitter. Criteria: ARUP Molecular Germline Variant Investigation Process 2024. Collection method: clinical testing. Allele origin: germline. Not counted in ClinVar's aggregate classification.

Quest Diagnostics Nichols Institute San Juan Capistrano
Classification: Likely benign. Last evaluated: 2022-03-03. Review status: criteria provided, single submitter. Criteria: Quest Diagnostics criteria. Collection method: clinical testing. Allele origin: unknown. Not counted in ClinVar's aggregate classification.

Sema4
Classification: Uncertain significance for Hereditary cancer-predisposing syndrome. Last evaluated: 2022-01-14. Review status: criteria provided, single submitter. Criteria: Sema4 Curation Guidelines. Collection method: curation. Allele origin: germline. Not counted in ClinVar's aggregate classification.
Comment: The BRCA1 c.641A>G (p.D214G) variant has been reported in heterozygosity in individuals with breast, ovarian, and/or pancreatic cancer (PMID: 27008870, 26884819, 20104584, 16211554, 16683254, 31337648). This variant is nearly always reported in cis with c.594-2A>C, forming the complex allele c.[594-2A>C;641A>G] (PMID: 27008870). This complex allele has been reported in trans with a BRCA1 pathogenic variant in a patient with early-onset breast cancer (PMID: 26884819). Splicing assays performed on c.641A>G in isolation have shown that this variant leads to the production of a transcript lacking exon 10 of the BRCA1 protein (PMID: 27008870). A homology-directed repair (HDR) assay also performed on c.641A>G in isolation showed relative HDR activity approximately 1.4-fold of wildtype, suggesting no impact on BRCA1 protein function (PMID: 26689913). Functional studies of the complex allele BRCA1 c.[594-2A>C;641A>G] has been shown to preferentially express a BRCA1 transcript with deletion of exons 9 and 10, which is observed in wild-type breast and blood tissue naturally (PMID: 26884819, 27008870). This expression of the alternate transcript is said to rescue BRCA1 function; therefore, it is recommended that the complex allele be classified as benign (PMID: 27008870). BRCA1 c.641A>G was observed in 9/113570 chromosomes of the Non-Finnish European subpopulation in the large and broad cohorts of the Genome Aggregation Database (PMID: 32461654). The variant has been reported in ClinVar (Variation ID 37689). In silico predictions of the variant's effect on protein function are inconclusive. Based on the current evidence, when identified in isolation (without c.594-2A>C in cis), the clinical significance of BRCA1 c.641A>G variant is uncertain.

GeneDx
Classification: Likely benign. Last evaluated: 2021-04-19. Review status: criteria provided, single submitter. Criteria: GeneDx Variant Classification Process June 2021. Collection method: clinical testing. Allele origin: germline. Affected: yes. Not counted in ClinVar's aggregate classification.
Comment: This variant is associated with the following publications: (PMID: 26727311, 27495310, 29168416, 28534081, 20104584, 16683254, 20127978, 22811390, 16211554, 26884819, 27008870, 27313609, 26913838, 27515922, 17972171, 26689913, 25348012, 29254167, 28588830, 28695303)

CHEO Genetics Diagnostic Laboratory, Children's Hospital of Eastern Ontario
Classification: Uncertain significance for Breast and/or ovarian cancer. Last evaluated: 2020-10-14. Review status: criteria provided, single submitter. Criteria: ACMG Guidelines, 2015. Collection method: clinical testing. Allele origin: germline. Not counted in ClinVar's aggregate classification.

Color Diagnostics, LLC DBA Color Health
Classification: Likely benign for Hereditary cancer-predisposing syndrome. Last evaluated: 2016-12-08. Review status: criteria provided, single submitter. Criteria: ACMG Guidelines, 2015. Collection method: clinical testing. Allele origin: germline. Not counted in ClinVar's aggregate classification.

PreventionGenetics, part of Exact Sciences
Classification: Benign for BRCA1-related condition. Last evaluated: 2020-08-11. Review status: no assertion criteria provided. Collection method: clinical testing. Allele origin: germline. Not counted in ClinVar's aggregate classification.
Comment: This variant is classified as benign based on ACMG/AMP sequence variant interpretation guidelines (Richards et al. 2015 PMID: 25741868, with internal and published modifications).

Sharing Clinical Reports Project (SCRP)
Classification: Uncertain significance for Breast-ovarian cancer, familial 1. Last evaluated: 2010-03-15. Review status: no assertion criteria provided. Collection method: clinical testing. Allele origin: germline. Not counted in ClinVar's aggregate classification.

Breast Cancer Information Core (BIC) (BRCA1)
Classification: Uncertain significance for Breast-ovarian cancer, familial 1. Last evaluated: 2002-05-29. Review status: no assertion criteria provided. Collection method: clinical testing. Allele origin: germline. Affected: yes. Observed: 15 variant alleles. Not counted in ClinVar's aggregate classification.

Literature cited by the submitters: PubMed 27008870 (cited by 5 submitters); PubMed 15385441 (cited by Women's Health and Genetics/Laboratory Corporation of America, LabCorp); PubMed 20104584 (cited by 4 submitters); PubMed 21520273 (cited by Women's Health and Genetics/Laboratory Corporation of America, LabCorp); PubMed 21702907 (cited by Women's Health and Genetics/Laboratory Corporation of America, LabCorp); PubMed 10408690 (cited by Women's Health and Genetics/Laboratory Corporation of America, LabCorp and Ambry Genetics); PubMed 22811390 (cited by 3 submitters); PubMed 16211554 (cited by 4 submitters); PubMed 20127978 (cited by Women's Health and Genetics/Laboratory Corporation of America, LabCorp); PubMed 25639900 (cited by 3 submitters); PubMed 26207792 (cited by Women's Health and Genetics/Laboratory Corporation of America, LabCorp and Quest Diagnostics Nichols Institute San Juan Capistrano); PubMed 26884819 (cited by 4 submitters); PubMed 29254167 (cited by Women's Health and Genetics/Laboratory Corporation of America, LabCorp and Quest Diagnostics Nichols Institute San Juan Capistrano); PubMed 29168416 (cited by Women's Health and Genetics/Laboratory Corporation of America, LabCorp and Ambry Genetics); PubMed 30219179 (cited by Women's Health and Genetics/Laboratory Corporation of America, LabCorp); PubMed 33113089 (cited by Women's Health and Genetics/Laboratory Corporation of America, LabCorp and Quest Diagnostics Nichols Institute San Juan Capistrano); PubMed 30623411 (cited by Women's Health and Genetics/Laboratory Corporation of America, LabCorp); PubMed 26689913 (cited by Labcorp Genetics (formerly Invitae), Labcorp and Sema4); PubMed 29774201 (cited by Quest Diagnostics Nichols Institute San Juan Capistrano); PubMed 21309043 (cited by Quest Diagnostics Nichols Institute San Juan Capistrano); PubMed 31337648 (cited by Quest Diagnostics Nichols Institute San Juan Capistrano and Sema4); PubMed 16683254 (cited by Sema4).